The following is an entry in ClinVar:

NM_001369.3(DNAH5):c.5485-2A>T

Gene: DNAH5 (dynein axonemal heavy chain 5; minus strand). Cytogenetic location: 5p15.2.
Variant type: single nucleotide variant.
Coding change: c.5485-2A>T on transcript NM_001369.3 (MANE Select); the canonical splice acceptor site of the intron before coding-DNA position 5485, A replaced by T.
Molecular consequence: splice acceptor variant.
Genome position (GRCh38, 1-based): chr5:13,841,132, T>A on the plus strand (A>T on the coding strand, the complement: DNAH5 is on the minus strand). VCF-style: chr5-13841132-T-A. GRCh37 (hg19) VCF-style: chr5-13841241-T-A.
Identifiers: ClinVar variation 1508586 (VCV001508586.8), dbSNP rs2151860622, ClinGen allele CA359210514.

ClinVar aggregate classification (germline): Likely pathogenic (1 of 4 stars; one submission).

Conditions:
Primary ciliary dyskinesia. Also called: Ciliary dyskinesia. Identifiers: Orphanet 244, MedGen C0008780, MONDO:0016575, HP:0012265.

Submission:

Labcorp Genetics (formerly Invitae), Labcorp
Classification: Likely pathogenic for Primary ciliary dyskinesia. Last evaluated: 2020-12-26. Review status: criteria provided, single submitter. Criteria: Invitae Variant Classification Sherloc (09022015). Collection method: clinical testing. Allele origin: germline.
Comment: In summary, the currently available evidence indicates that the variant is pathogenic, but additional data are needed to prove that conclusively. Therefore, this variant has been classified as Likely Pathogenic. Algorithms developed to predict the effect of sequence changes on RNA splicing suggest that this variant may disrupt the consensus splice site, but this prediction has not been confirmed by published transcriptional studies. This variant has not been reported in the literature in individuals with DNAH5-related conditions. This variant is not present in population databases (ExAC no frequency). This sequence change affects an acceptor splice site in intron 33 of the DNAH5 gene. It is expected to disrupt RNA splicing. Variants that disrupt the donor or acceptor splice site typically lead to a loss of protein function (PMID: 16199547), and loss-of-function variants in DNAH5 are known to be pathogenic (PMID: 11788826, 16627867).

Literature cited by the submitters: PubMed 16199547; PubMed 11788826; PubMed 16627867.